The following is an entry in ClinVar:

NM_000059.4(BRCA2):c.3556G>C (p.Val1186Leu)

Gene: BRCA2 (BRCA2 DNA repair associated; plus strand). Cytogenetic location: 13q13.1.
Variant type: single nucleotide variant.
Coding change: c.3556G>C on transcript NM_000059.4 (MANE Select); coding-DNA position 3556, G replaced by C.
Protein change: p.Val1186Leu; replaces valine 1186 with leucine.
Molecular consequence: missense variant. On other transcripts: non-coding transcript variant (1), intron variant (2).
Genome position (GRCh38, 1-based): chr13:32,337,911, G>C. VCF-style: chr13-32337911-G-C. GRCh37 (hg19) VCF-style: chr13-32912048-G-C.
Other names: c.3556G>C, p.Val1186Leu (NM_001406719.1, NM_001406720.1, NM_001432077.1); c.1909+4524G>C (NM_001406721.1); c.425-6647G>C (NM_001406722.1); short protein forms V1186L.
Identifiers: ClinVar variation 3992771 (VCV003992771.1).

ClinVar aggregate classification (germline): Uncertain significance (1 of 4 stars; one submission).

Conditions:
Hereditary cancer-predisposing syndrome. Also called: Tumor predisposition; Hereditary neoplastic syndrome; Neoplastic Syndromes, Hereditary; Hereditary Cancer Syndrome. Identifiers: Orphanet 140162, MedGen C0027672, MeSH D009386, MONDO:0015356.

Submission:

Ambry Genetics
Classification: Uncertain significance for Hereditary cancer-predisposing syndrome. Last evaluated: 2025-03-26. Review status: criteria provided, single submitter. Criteria: Ambry Variant Classification Scheme 2023. Collection method: clinical testing. Allele origin: germline.
Comment: The p.V1186L variant (also known as c.3556G>C), located in coding exon 10 of the BRCA2 gene, results from a G to C substitution at nucleotide position 3556. The valine at codon 1186 is replaced by leucine, an amino acid with highly similar properties. This amino acid position is conserved. In addition, this alteration is predicted to be tolerated by in silico analysis. Based on the available evidence, the clinical significance of this variant remains unclear.